The following is an entry in ClinVar:

ClinVar aggregate classification (germline): Uncertain significance. Review status: criteria provided, multiple submitters, no conflicts (2 of 4 stars). 2 submissions from 2 submitters: Uncertain significance (2). Last evaluated 2024-05-14.

Conditions:
Inborn genetic diseases. Identifiers: MedGen C0950123, MeSH D030342.

Allele frequency attached by ClinVar (database versions not stated): ExAC 0.00001; gnomAD exomes 0.00001; TOPMed 0.00001; gnomAD 0.00002.
gnomAD v4.1: 12 of 1,614,030 alleles (0.00074%); highest among the groups gnomAD compares: Middle Eastern, 0.016%; no homozygotes.

Submissions (2):

Ambry Genetics
Classification: Uncertain significance for Inborn genetic diseases. Last evaluated: 2024-05-14. Review status: criteria provided, single submitter. Criteria: Ambry Variant Classification Scheme 2023. Collection method: clinical testing. Allele origin: germline.

Labcorp Genetics (formerly Invitae), Labcorp
Classification: Uncertain significance. Last evaluated: 2022-10-17. Review status: criteria provided, single submitter. Criteria: Invitae Variant Classification Sherloc (09022015). Collection method: clinical testing. Allele origin: germline.
Comment: In summary, the available evidence is currently insufficient to determine the role of this variant in disease. Therefore, it has been classified as a Variant of Uncertain Significance. Advanced modeling of protein sequence and biophysical properties (such as structural, functional, and spatial information, amino acid conservation, physicochemical variation, residue mobility, and thermodynamic stability) performed at Invitae indicates that this missense variant is expected to disrupt ENPP1 protein function. This variant has not been reported in the literature in individuals affected with ENPP1-related conditions. This sequence change replaces tyrosine, which is neutral and polar, with histidine, which is basic and polar, at codon 683 of the ENPP1 protein (p.Tyr683His). This variant is present in population databases (rs779192546, gnomAD 0.01%).

NM_006208.3(ENPP1):c.2047T>C (p.Tyr683His)

Gene: ENPP1 (ectonucleotide pyrophosphatase/phosphodiesterase 1; plus strand). Cytogenetic location: 6q23.2.
Variant type: single nucleotide variant.
Coding change: c.2047T>C on transcript NM_006208.3 (MANE Select); coding-DNA position 2047, T replaced by C.
Protein change: p.Tyr683His; replaces tyrosine 683 with histidine.
Molecular consequence: missense variant.
Genome position (GRCh38, 1-based): chr6:131,879,981, T>C. VCF-style: chr6-131879981-T-C. GRCh37 (hg19) VCF-style: chr6-132201121-T-C.
Other names: c.2047T>C (NM_006208.2); short protein forms Y683H.
Identifiers: ClinVar variation 1987583 (VCV001987583.5), dbSNP rs779192546, ClinGen allele CA4002404.
Genomic context (GRCh38, chr6:131,879,981, plus strand): 5'-AGAGTTCTCCAGAAGGAAAACACCATCTGTCTTCTTTCCCAGCACCAGTTTATGAGTGGA[T>C]ACAGCCAAGACATCTTAATGCCCCTTTGGACATCCTATACCGTGGACAGAAATGCAAGTA-3'
Protein context (NP_006199.2, residues 673-693): LLSQHQFMSG[Tyr683His]SQDILMPLWT